The following is an entry in ClinVar:

NM_001042432.2(CLN3):c.1057-144C>T

Gene: CLN3 (CLN3 lysosomal/endosomal transmembrane protein, battenin; minus strand). Cytogenetic location: 16p12.1.
Variant type: single nucleotide variant.
Coding change: c.1057-144C>T on transcript NM_001042432.2 (MANE Select); 144 bases into the intron before coding-DNA position 1057, C replaced by T.
Molecular consequence: intron variant.
Genome position (GRCh38, 1-based): chr16:28,478,021, G>A on the plus strand (C>T on the coding strand, the complement: CLN3 is on the minus strand). VCF-style: chr16-28478021-G-A. GRCh37 (hg19) VCF-style: chr16-28489342-G-A.
Other names: c.823-144C>T (NM_001286109.2); c.985-144C>T (NM_001286104.2); c.757-144C>T (NM_001286105.2); c.895-144C>T (NM_001286110.2); c.1057-144C>T (NM_000086.2).
Identifiers: ClinVar variation 679913 (VCV000679913.1), dbSNP rs28374519, ClinGen allele CA14297090.

ClinVar aggregate classification (germline): Benign (1 of 4 stars; one submission).

Allele frequency attached by ClinVar (database versions not stated): gnomAD 0.33844 and 0.34835; TOPMed 0.35103; 1000 Genomes Project 30x 0.39335; 1000 Genomes Project 0.40395.
gnomAD v4.1: 352,988 of 884,842 alleles (40%); highest among the groups gnomAD compares: East Asian, 65%; 75,295 homozygotes.

Submission:

GeneDx
Classification: Benign. Last evaluated: 2018-06-14. Review status: criteria provided, single submitter. Criteria: GeneDx Variant Classification (06012015). Collection method: clinical testing. Allele origin: germline. Affected: yes.
Comment: This variant is considered likely benign or benign based on one or more of the following criteria: it is a conservative change, it occurs at a poorly conserved position in the protein, it is predicted to be benign by multiple in silico algorithms, and/or has population frequency not consistent with disease.